The following is an entry in ClinVar:

ClinVar aggregate classification (germline): Pathogenic (1 of 4 stars; one submission).

Conditions:
Hereditary cancer-predisposing syndrome. Also called: Neoplastic Syndromes, Hereditary; Tumor predisposition; Hereditary neoplastic syndrome; Hereditary Cancer Syndrome. Identifiers: Orphanet 140162, MedGen C0027672, MeSH D009386, MONDO:0015356.

Submission:

Ambry Genetics
Classification: Pathogenic for Hereditary cancer-predisposing syndrome. Last evaluated: 2026-07-01. Review status: criteria provided, single submitter. Criteria: Ambry Variant Classification Scheme 2023. Collection method: clinical testing. Allele origin: germline.
Comment: The c.3253_3254delAC pathogenic mutation, located in coding exon 5 of the MSH6 gene, results from a deletion of two nucleotides at nucleotide positions 3253 to 3254, causing a translational frameshift with a predicted alternate stop codon (p.T1085Pfs*7). This variant is considered to be rare based on population cohorts in the Genome Aggregation Database (gnomAD). This alteration is expected to result in loss of function by premature protein truncation or nonsense-mediated mRNA decay. As such, this alteration is interpreted as a disease-causing mutation.

NM_000179.3(MSH6):c.3253_3254del (p.Thr1085fs)

Gene: MSH6 (mutS homolog 6; plus strand). Cytogenetic location: 2p16.3.
Variant type: Deletion.
Coding change: c.3253_3254del on transcript NM_000179.3 (MANE Select); coding-DNA positions 3253 to 3254, 2 bases deleted (AC; older notation c.3253_3254delAC).
Protein change: p.Thr1085fs; shifts the reading frame from threonine 1085.
Molecular consequence: frameshift variant. On other transcripts: non-coding transcript variant (5), intron variant (1).
Genome position (GRCh38, 1-based): chr2:47,803,500-47,803,501, AC deleted. VCF-style (leftmost placement, unchanged base first): chr2-47803499-TAC-T. GRCh37 (hg19) VCF-style: chr2-48030638-TAC-T.
Other names: c.3253_3254del, p.Thr1085fs (NM_001406808.1, NM_001406809.1, NM_001406796.1 and 1 more transcripts); c.2347_2348del, p.Thr783fs (NM_001406811.1, NM_001406812.1, NM_001406814.1 and 6 more transcripts); c.3259_3260del, p.Thr1087fs (NM_001406813.1); c.1687_1688del, p.Thr563fs (NM_001406817.1); c.2956_2957del, p.Thr986fs (NM_001406818.1, NM_001406797.1, NM_001406819.1 and 10 more transcripts); c.2863_2864del, p.Thr955fs (NM_001281492.2); c.3349_3350del, p.Thr1117fs (NM_001406795.1, NM_001406802.1); c.2728_2729del, p.Thr910fs (NM_001406799.1, NM_001406806.1, NM_001406807.1); and 7 more; short protein forms T1029fs, T783fs, T797fs, T955fs, T986fs, T12fs, T563fs, T910fs.
Identifiers: ClinVar variation 5024877 (VCV005024877.1).
Genomic context (GRCh38, chr2:47,803,499, plus strand): 5'-TAACTATAGTCGAGGGGGTGATGGTCCTATGTGTCGCCCAGTAATTCTGTTGCCGGAAGA[TAC>T]CCCCCCCTTCTTAGAGCTTAAAGGATCACGCCATCCTTGCATTACGAAGACTTTTTTTGG-3'